The following is an entry in ClinVar:

NM_006922.4(SCN3A):c.4191A>C (p.Lys1397Asn)

Gene: SCN3A (sodium voltage-gated channel alpha subunit 3; minus strand). Cytogenetic location: 2q24.3.
Variant type: single nucleotide variant.
Coding change: c.4191A>C on transcript NM_006922.4 (MANE Select); coding-DNA position 4191, A replaced by C.
Protein change: p.Lys1397Asn; replaces lysine 1397 with asparagine.
Molecular consequence: missense variant.
Genome position (GRCh38, 1-based): chr2:165,097,300, T>G on the plus strand (A>C on the coding strand, the complement: SCN3A is on the minus strand). VCF-style: chr2-165097300-T-G. GRCh37 (hg19) VCF-style: chr2-165953810-T-G.
Other names: c.4044A>C, p.Lys1348Asn (NM_001081676.2, NM_001081677.2); short protein forms K1348N, K1397N.
Identifiers: ClinVar variation 2854476 (VCV002854476.3), dbSNP rs1055802917, ClinGen allele CA59712660.

ClinVar aggregate classification (germline): Uncertain significance (1 of 4 stars; one submission).

Allele frequency attached by ClinVar (database versions not stated): TOPMed below 0.00001; gnomAD 0.00001; gnomAD exomes 0.00001.
gnomAD v4.1: 19 of 1,613,960 alleles (0.0012%); highest among the groups gnomAD compares: Non-Finnish European, 0.0016%; no homozygotes.

Submission:

Labcorp Genetics (formerly Invitae), Labcorp
Classification: Uncertain significance. Last evaluated: 2025-05-25. Review status: criteria provided, single submitter. Criteria: Invitae Variant Classification Sherloc (09022015). Collection method: clinical testing. Allele origin: germline.
Comment: This sequence change replaces lysine, which is basic and polar, with asparagine, which is neutral and polar, at codon 1397 of the SCN3A protein (p.Lys1397Asn). This variant is present in population databases (no rsID available, gnomAD 0.002%). This variant has not been reported in the literature in individuals affected with SCN3A-related conditions. ClinVar contains an entry for this variant (Variation ID: 2854476). Invitae Evidence Modeling of protein sequence and biophysical properties (such as structural, functional, and spatial information, amino acid conservation, physicochemical variation, residue mobility, and thermodynamic stability) has been performed for this missense variant. However, the output from this modeling did not meet the statistical confidence thresholds required to predict the impact of this variant on SCN3A protein function. In summary, the available evidence is currently insufficient to determine the role of this variant in disease. Therefore, it has been classified as a Variant of Uncertain Significance.